The following is an entry in ClinVar:

NM_001136271.3(NKX2-6):c.538T>C (p.Phe180Leu)

Gene: NKX2-6 (NK2 homeobox 6; minus strand). Cytogenetic location: 8p21.2.
Variant type: single nucleotide variant.
Coding change: c.538T>C on transcript NM_001136271.3 (MANE Select); coding-DNA position 538, T replaced by C.
Protein change: p.Phe180Leu; replaces phenylalanine 180 with leucine.
Molecular consequence: missense variant.
Genome position (GRCh38, 1-based): chr8:23,702,819, A>G on the plus strand (T>C on the coding strand, the complement: NKX2-6 is on the minus strand). VCF-style: chr8-23702819-A-G. GRCh37 (hg19) VCF-style: chr8-23560332-A-G.
Other names: short protein forms F180L.
Identifiers: ClinVar variation 1398180 (VCV001398180.6), dbSNP rs1165279653, ClinGen allele CA370602789.

ClinVar aggregate classification (germline): Uncertain significance (1 of 4 stars; one submission).

Conditions:
Conotruncal heart malformations (CTHM). Also called: Conotruncal heart malformations, variable. Identifiers: Orphanet 2445, Orphanet 3384, Orphanet 3426, MedGen C1857586, MONDO:0016581, OMIM 217095.

Allele frequency attached by ClinVar (database versions not stated): gnomAD 0.00001; TOPMed 0.00001.

Submission:

Labcorp Genetics (formerly Invitae), Labcorp
Classification: Uncertain significance for Conotruncal heart malformations. Last evaluated: 2021-09-15. Review status: criteria provided, single submitter. Criteria: Invitae Variant Classification Sherloc (09022015). Collection method: clinical testing. Allele origin: germline.
Comment: This variant is not present in population databases (ExAC no frequency). This sequence change replaces phenylalanine with leucine at codon 180 of the NKX2-6 protein (p.Phe180Leu). The phenylalanine residue is highly conserved and there is a small physicochemical difference between phenylalanine and leucine. This variant has not been reported in the literature in individuals affected with NKX2-6-related conditions. In summary, the available evidence is currently insufficient to determine the role of this variant in disease. Therefore, it has been classified as a Variant of Uncertain Significance. Algorithms developed to predict the effect of missense changes on protein structure and function are either unavailable or do not agree on the potential impact of this missense change (SIFT: "Deleterious"; PolyPhen-2: "Probably Damaging"; Align-GVGD: "Class C15").